The following is an entry in ClinVar:

ClinVar aggregate classification (germline): Likely pathogenic (0 of 4 stars; one submission).

Conditions:
NCAPD3-related disorder. Also called: NCAPD3-related condition.

Submission:

PreventionGenetics, part of Exact Sciences
Classification: Likely pathogenic for NCAPD3-related condition. Last evaluated: 2024-08-30. Review status: no assertion criteria provided. Collection method: clinical testing. Allele origin: germline.
Comment: The NCAPD3 c.3278_3279delAA variant is predicted to result in a frameshift and premature protein termination (p.Lys1093Argfs*17). To our knowledge, this variant has not been reported in the literature. This variant is reported in 0.011% of alleles in individuals of East Asian descent in gnomAD. Frameshift variants in NCAPD3 are expected to be pathogenic. This variant is interpreted as likely pathogenic.

NM_015261.3(NCAPD3):c.3278_3279del (p.Lys1093fs)

Gene: NCAPD3 (non-SMC condensin II complex subunit D3; minus strand). Cytogenetic location: 11q25.
Variant type: Deletion.
Coding change: c.3278_3279del on transcript NM_015261.3 (MANE Select); coding-DNA positions 3278 to 3279, 2 bases deleted (AA; older notation c.3278_3279delAA).
Protein change: p.Lys1093fs; shifts the reading frame from lysine 1093.
Molecular consequence: frameshift variant.
Genome position (GRCh38, 1-based): chr11:134,168,563-134,168,564, TT deleted on the plus strand (AA on the coding strand, the reverse complement: NCAPD3 is on the minus strand); deleting any 2 consecutive bases within chr11:134,168,563-134,168,565 gives the same sequence; the c. name uses the placement nearest the transcript's 3' end. VCF-style (leftmost placement, unchanged base first): chr11-134168562-CTT-C. GRCh37 (hg19) VCF-style: chr11-134038457-CTT-C.
Other names: c.3278_3279del, p.Lys1093fs (NM_001372065.1, NM_001372068.1); c.2864_2865del, p.Lys955fs (NM_001372069.1, NM_001372070.1); short protein forms K1093fs, K955fs.
Identifiers: ClinVar variation 3355483 (VCV003355483.1).